The following is an entry in ClinVar:

NM_000038.6(APC):c.2043T>C (p.Cys681=)

Gene: APC (APC regulator of Wnt signaling pathway; plus strand). Cytogenetic location: 5q22.2.
Variant type: single nucleotide variant.
Coding change: c.2043T>C on transcript NM_000038.6 (MANE Select); coding-DNA position 2043, T replaced by C.
Protein change: p.Cys681=; no amino-acid change (cysteine 681 retained).
Molecular consequence: synonymous variant.
Genome position (GRCh38, 1-based): chr5:112,837,637, T>C. VCF-style: chr5-112837637-T-C. GRCh37 (hg19) VCF-style: chr5-112173334-T-C.
Other names: c.2043T>C, p.Cys681= (NM_001127510.3, NM_001354895.2); c.1989T>C, p.Cys663= (NM_001127511.3); c.2097T>C, p.Cys699= (NM_001354896.2); c.2073T>C, p.Cys691= (NM_001354897.2); c.1968T>C, p.Cys656= (NM_001354898.2); c.1959T>C, p.Cys653= (NM_001354899.2); c.1920T>C, p.Cys640= (NM_001354900.2); c.1866T>C, p.Cys622= (NM_001354901.2); and 5 more.
Identifiers: ClinVar variation 186679 (VCV000186679.14), dbSNP rs786203136, ClinGen allele CA007171.

ClinVar aggregate classification (germline): Benign/Likely benign. Review status: criteria provided, multiple submitters, no conflicts (2 of 4 stars). 4 submissions from 4 submitters: Benign (1); Likely benign (3). Last evaluated 2024-09-24.

Conditions:
Hereditary cancer-predisposing syndrome. Also called: Neoplastic Syndromes, Hereditary; Tumor predisposition; Hereditary Cancer Syndrome; Hereditary neoplastic syndrome. Identifiers: Orphanet 140162, MedGen C0027672, MeSH D009386, MONDO:0015356.
Familial adenomatous polyposis 1 (FAP1). Also called: FAMILIAL ADENOMATOUS POLYPOSIS 1, ATTENUATED; POLYPOSIS, ADENOMATOUS INTESTINAL. Identifiers: MedGen C2713442, MONDO:0021056, OMIM 175100. Disease mechanism: loss of function.

Allele frequency attached by ClinVar (database versions not stated): TOPMed below 0.00001; gnomAD 0.00001.
gnomAD v4.1: 1 of 1,613,548 alleles (0.000062%); highest among the groups gnomAD compares: Non-Finnish European, 0.000085%; no homozygotes.

Submissions (4):

Color Diagnostics, LLC DBA Color Health
Classification: Likely benign for Hereditary cancer-predisposing syndrome. Last evaluated: 2024-09-24. Review status: criteria provided, single submitter. Criteria: ACMG Guidelines, 2015. Collection method: clinical testing. Allele origin: germline.

Myriad Genetics, Inc.
Classification: Benign for Familial adenomatous polyposis 1. Last evaluated: 2024-03-08. Review status: criteria provided, single submitter. Criteria: Myriad Autosomal Dominant, Autosomal Recessive and X-Linked Classification Criteria (2023). Collection method: clinical testing. Allele origin: unknown.
Comment: This variant is considered benign. This variant is a silent/synonymous amino acid change and it is not expected to impact splicing.

Labcorp Genetics (formerly Invitae), Labcorp
Classification: Likely benign for Familial adenomatous polyposis 1. Last evaluated: 2021-06-17. Review status: criteria provided, single submitter. Criteria: Invitae Variant Classification Sherloc (09022015). Collection method: clinical testing. Allele origin: germline.

Ambry Genetics
Classification: Likely benign for Hereditary cancer-predisposing syndrome. Last evaluated: 2014-10-16. Review status: criteria provided, single submitter. Criteria: Ambry Variant Classification Scheme 2023. Collection method: clinical testing. Allele origin: germline.